The following is an entry in ClinVar:

ClinVar aggregate classification (germline): Likely benign (1 of 4 stars; one submission).

Conditions:
MC4R-related disorder. Also called: MC4R-related condition.

Submission:

PreventionGenetics, part of Exact Sciences
Classification: Likely benign for MC4R-related condition. Last evaluated: 2026-01-27. Review status: criteria provided, single submitter. Criteria: ACMG Guidelines, 2015. Collection method: clinical testing. Allele origin: germline.
Comment: This variant is classified as likely benign based on ACMG/AMP sequence variant interpretation guidelines (Richards et al. 2015 PMID: 25741868, with internal and published modifications).

NM_005912.3(MC4R):c.501G>A (p.Gly167=)

Gene: MC4R (melanocortin 4 receptor; minus strand). Cytogenetic location: 18q21.32.
Variant type: single nucleotide variant.
Coding change: c.501G>A on transcript NM_005912.3 (MANE Select); coding-DNA position 501, G replaced by A.
Protein change: p.Gly167=; no amino-acid change (glycine 167 retained).
Molecular consequence: synonymous variant.
Genome position (GRCh38, 1-based): chr18:60,371,849, C>T on the plus strand (G>A on the coding strand, the complement: MC4R is on the minus strand). VCF-style: chr18-60371849-C-T. GRCh37 (hg19) VCF-style: chr18-58039082-C-T.
Identifiers: ClinVar variation 4979255 (VCV004979255.1).